The following is an entry in ClinVar:

NM_000019.4(ACAT1):c.1223G>T (p.Gly408Val)

Gene: ACAT1 (acetyl-CoA acetyltransferase 1; plus strand). Cytogenetic location: 11q22.3.
Variant type: single nucleotide variant.
Coding change: c.1223G>T on transcript NM_000019.4 (MANE Select); coding-DNA position 1223, G replaced by T.
Protein change: p.Gly408Val; replaces glycine 408 with valine.
Molecular consequence: missense variant.
Genome position (GRCh38, 1-based): chr11:108,147,329, G>T. VCF-style: chr11-108147329-G-T. GRCh37 (hg19) VCF-style: chr11-108018056-G-T.
Other names: c.1223G>T, p.Gly408Val (LRG_1400t1); short protein forms G408V.
Identifiers: ClinVar variation 430099 (VCV000430099.2), dbSNP rs1131691780, ClinGen allele CA382508815.

ClinVar aggregate classification (germline): Uncertain significance (1 of 4 stars; one submission).

Allele frequency attached by ClinVar (database versions not stated): gnomAD exomes below 0.00001.
gnomAD v4.1: 2 of 1,613,990 alleles (0.00012%); highest among the groups gnomAD compares: Non-Finnish European, 0.00017%; no homozygotes.

Submission:

GeneDx
Classification: Uncertain significance. Last evaluated: 2017-05-19. Review status: criteria provided, single submitter. Criteria: GeneDx Variant Classification (06012015). Collection method: clinical testing. Allele origin: germline. Affected: yes.
Comment: The G408V variant has not been published as a pathogenic variant, nor has it been reported as a benign variant to our knowledge. The G408V variant is not observed in large population cohorts (Lek et al., 2016; 1000 Genomes Consortium et al., 2015; Exome Variant Server). The G408V variant is a conservative amino acid substitution, which is not likely to impact secondary protein structure as these residues share similar properties. This substitution occurs at a position that is conserved across species. In silico analysis predicts this variant is probably damaging to the protein structure/function. In summary, based on the currently available information, it is unclear whether this variant is a pathogenic variant or a rare benign variant.